The following is an entry in ClinVar:

NM_001904.4(CTNNB1):c.269G>A (p.Arg90Gln)

Genes: CTNNB1 (catenin beta 1; plus strand), LOC126806658 (BRD4-independent group 4 enhancer GRCh37_chr3:41265899-41267098; plus strand). Cytogenetic location: 3p22.1.
Variant type: single nucleotide variant.
Coding change: c.269G>A on transcript NM_001904.4 (MANE Select); coding-DNA position 269, G replaced by A.
Protein change: p.Arg90Gln; replaces arginine 90 with glutamine.
Molecular consequence: missense variant.
Genome position (GRCh38, 1-based): chr3:41,224,981, G>A. VCF-style: chr3-41224981-G-A. GRCh37 (hg19) VCF-style: chr3-41266472-G-A.
Other names: c.269G>A, p.Arg90Gln (NM_001098209.2, NM_001098210.2); c.248G>A, p.Arg83Gln (NM_001330729.2); short protein forms R90Q, R83Q.
Identifiers: ClinVar variation 1378784 (VCV001378784.6), dbSNP rs2125619762, ClinGen allele CA352228918.
Genomic context (GRCh38, chr3:41,224,981, plus strand): 5'-GTGGATAGTGAGTGTTGAATTAACCTTTTCCAGATATTGATGGACAGTATGCAATGACTC[G>A]AGCTCAGAGGGTACGAGCTGCTATGTTCCCTGAGACATTAGATGAGGGCATGCAGATCCC-3'
Protein context (NP_001895.1, residues 80-100): ADIDGQYAMT[Arg90Gln]AQRVRAAMFP

ClinVar aggregate classification (germline): Uncertain significance (1 of 4 stars; one submission).

Allele frequency attached by ClinVar (database versions not stated): gnomAD exomes below 0.00001.
gnomAD v4.1: 1 of 1,613,962 alleles (0.000062%); highest among the groups gnomAD compares: Non-Finnish European, 0.000085%; no homozygotes.

Submission:

Labcorp Genetics (formerly Invitae), Labcorp
Classification: Uncertain significance. Last evaluated: 2022-07-19. Review status: criteria provided, single submitter. Criteria: Invitae Variant Classification Sherloc (09022015). Collection method: clinical testing. Allele origin: germline.
Comment: In summary, the available evidence is currently insufficient to determine the role of this variant in disease. Therefore, it has been classified as a Variant of Uncertain Significance. Algorithms developed to predict the effect of missense changes on protein structure and function are either unavailable or do not agree on the potential impact of this missense change (SIFT: "Tolerated"; PolyPhen-2: "Possibly Damaging"; Align-GVGD: "Class C0"). ClinVar contains an entry for this variant (Variation ID: 1378784). This variant has not been reported in the literature in individuals affected with CTNNB1-related conditions. This variant is not present in population databases (gnomAD no frequency). This sequence change replaces arginine, which is basic and polar, with glutamine, which is neutral and polar, at codon 90 of the CTNNB1 protein (p.Arg90Gln).